The following is an entry in ClinVar:

ClinVar aggregate classification (germline): Uncertain significance (1 of 4 stars; one submission).

Submission:

GeneDx
Classification: Uncertain significance. Last evaluated: 2024-01-04. Review status: criteria provided, single submitter. Criteria: GeneDx Variant Classification Process June 2021. Collection method: clinical testing. Allele origin: germline. Affected: yes.
Comment: Not observed at significant frequency in large population cohorts (gnomAD); In silico analysis supports that this missense variant does not alter protein structure/function; Has not been previously published as pathogenic or benign to our knowledge

NM_004463.3(FGD1):c.1834C>A (p.Leu612Ile)

Gene: FGD1 (FYVE, RhoGEF and PH domain containing 1; minus strand). Cytogenetic location: Xp11.22.
Variant type: single nucleotide variant.
Coding change: c.1834C>A on transcript NM_004463.3 (MANE Select); coding-DNA position 1834, C replaced by A.
Protein change: p.Leu612Ile; replaces leucine 612 with isoleucine.
Molecular consequence: missense variant.
Genome position (GRCh38, 1-based): chrX:54,456,228, G>T on the plus strand (C>A on the coding strand, the complement: FGD1 is on the minus strand). VCF-style: chrX-54456228-G-T. GRCh37 (hg19) VCF-style: chrX-54482661-G-T.
Other names: short protein forms L612I.
Identifiers: ClinVar variation 3367533 (VCV003367533.1).
Genomic context (GRCh38, chrX:54,456,228, plus strand): 5'-GTGTGTGTTGGGAGGGGCATGACCCACCCACAATTCCATGCCTGGCACTTACTAGTATGA[G>T]GTATCGGTCTTGAGTGGTCCCATTCTTTGCTGACAGCTTAAGGATGTGGCCTTCTTTTAT-3'
Protein context (NP_004454.2, residues 602-622): AKNGTTQDRY[Leu612Ile]ILFNDRLLYC